The following is an entry in ClinVar:

ClinVar aggregate classification (germline): Uncertain significance (1 of 4 stars; one submission).

Conditions:
Hypertrophic cardiomyopathy 26. Also called: Cardiomyopathy, familial hypertrophic, 26. Identifiers: Orphanet 75249, MedGen C4310749, MONDO:0014883, OMIM 617047.
Myofibrillar myopathy 5. Also called: Filaminopathy (type); FILAMINOPATHY, AUTOSOMAL DOMINANT. Identifiers: Orphanet 171445, MedGen C1836050, MONDO:0012289, OMIM 609524.
Distal myopathy with posterior leg and anterior hand involvement. Also called: WILLIAMS DISTAL MYOPATHY. Identifiers: Orphanet 63273, MedGen C3279722, MONDO:0013550, OMIM 614065.

Allele frequency attached by ClinVar (database versions not stated): ExAC 0.00001.

Submission:

Labcorp Genetics (formerly Invitae), Labcorp
Classification: Uncertain significance for Distal myopathy with posterior leg and anterior hand involvement; Myofibrillar myopathy 5; Hypertrophic cardiomyopathy 26. Last evaluated: 2022-11-08. Review status: criteria provided, single submitter. Criteria: Invitae Variant Classification Sherloc (09022015). Collection method: clinical testing. Allele origin: germline.
Comment: In summary, the available evidence is currently insufficient to determine the role of this variant in disease. Therefore, it has been classified as a Variant of Uncertain Significance. Advanced modeling of protein sequence and biophysical properties (such as structural, functional, and spatial information, amino acid conservation, physicochemical variation, residue mobility, and thermodynamic stability) has been performed at Invitae for this missense variant, however the output from this modeling did not meet the statistical confidence thresholds required to predict the impact of this variant on FLNC protein function. This variant has not been reported in the literature in individuals affected with FLNC-related conditions. This variant is present in population databases (rs760009016, gnomAD 0.0009%). This sequence change replaces valine, which is neutral and non-polar, with methionine, which is neutral and non-polar, at codon 1054 of the FLNC protein (p.Val1054Met).

NM_001458.5(FLNC):c.3160G>A (p.Val1054Met)

Gene: FLNC (filamin C; plus strand). Cytogenetic location: 7q32.1.
Variant type: single nucleotide variant.
Coding change: c.3160G>A on transcript NM_001458.5 (MANE Select); coding-DNA position 3160, G replaced by A.
Protein change: p.Val1054Met; replaces valine 1054 with methionine.
Molecular consequence: missense variant.
Genome position (GRCh38, 1-based): chr7:128,844,234, G>A. VCF-style: chr7-128844234-G-A. GRCh37 (hg19) VCF-style: chr7-128484288-G-A.
Other names: c.3160G>A, p.Val1054Met (NM_001127487.2); short protein forms V1054M.
Identifiers: ClinVar variation 2044607 (VCV002044607.4), dbSNP rs760009016, ClinGen allele CA4474970.